The following is an entry in ClinVar:

NM_000193.4(SHH):c.757T>C (p.Tyr253His)

Gene: SHH (sonic hedgehog signaling molecule; minus strand). Cytogenetic location: 7q36.3.
Variant type: single nucleotide variant.
Coding change: c.757T>C on transcript NM_000193.4 (MANE Select); coding-DNA position 757, T replaced by C.
Protein change: p.Tyr253His; replaces tyrosine 253 with histidine.
Molecular consequence: missense variant. On other transcripts: intron variant (1).
Genome position (GRCh38, 1-based): chr7:155,803,532, A>G on the plus strand (T>C on the coding strand, the complement: SHH is on the minus strand). VCF-style: chr7-155803532-A-G. GRCh37 (hg19) VCF-style: chr7-155596226-A-G.
Other names: c.301+2764T>C (NM_001310462.2); short protein forms Y253H.
Identifiers: ClinVar variation 4690046 (VCV004690046.2).

ClinVar aggregate classification (germline): Uncertain significance (1 of 4 stars; one submission).

Submission:

GeneDx
Classification: Uncertain significance. Last evaluated: 2026-04-08. Review status: criteria provided, single submitter. Criteria: GeneDx Variant Classification Process June 2021. Collection method: clinical testing. Allele origin: germline.
Comment: Not observed at significant frequency in large population cohorts (gnomAD); In silico analysis supports that this missense variant has a deleterious effect on protein structure/function; Has not been previously published as pathogenic or benign to our knowledge